The following is an entry in ClinVar:

NM_000018.4(ACADVL):c.910G>A (p.Ala304Thr)

Gene: ACADVL (acyl-CoA dehydrogenase very long chain; plus strand). Cytogenetic location: 17p13.1.
Variant type: single nucleotide variant.
Coding change: c.910G>A on transcript NM_000018.4 (MANE Select); coding-DNA position 910, G replaced by A.
Protein change: p.Ala304Thr; replaces alanine 304 with threonine.
Molecular consequence: missense variant.
Genome position (GRCh38, 1-based): chr17:7,222,698, G>A. VCF-style: chr17-7222698-G-A. GRCh37 (hg19) VCF-style: chr17-7126017-G-A.
Other names: c.844G>A, p.Ala282Thr (NM_001033859.3); c.979G>A, p.Ala327Thr (NM_001270447.2); c.682G>A, p.Ala228Thr (NM_001270448.2); short protein forms A228T, A282T, A304T, A327T.
Identifiers: ClinVar variation 1707709 (VCV001707709.2), dbSNP rs2508315512, ClinGen allele CA397723954.

ClinVar aggregate classification (germline): Uncertain significance (3 of 4 stars; one submission).

Conditions:
Very long chain acyl-CoA dehydrogenase deficiency (ACADVLD). Also called: VLCAD Deficiency; Very Long-Chain Acyl-Coenzyme A Dehydrogenase Deficiency. Identifiers: Orphanet 26793, MedGen C3887523, MONDO:0008723, OMIM 201475.

Allele frequency attached by ClinVar (database versions not stated): gnomAD exomes below 0.00001.
gnomAD v4.1: 3 of 1,614,086 alleles (0.00019%); highest among the groups gnomAD compares: Non-Finnish European, 0.00025%; no homozygotes.

Submission:

ClinGen ACADVL Variant Curation Expert Panel, ClinGen
Classification: Uncertain significance for Very long chain acyl-CoA dehydrogenase deficiency. Last evaluated: 2022-07-28. Review status: reviewed by expert panel. Criteria: clingen acadvl acmg specifications v1. Collection method: curation. Allele origin: germline. Inheritance: Autosomal recessive inheritance.
Comment: The c.910G>A variant in ACADVL is a missense variant predicted to cause a substitution of alanine by threonine at amino acid 304 (p.Ala304Thr). This variant has been reported in the literature in one individual with very long chain acyl-CoA dehydrogenase (VLCAD) deficiency with reduced VLCAD activity and beta oxidation flux, but at levels that do not currently meet the ACADVL Variant Curation Expert Panel specifications for PP4 (PMID: 17999356). This variant is absent from gnomAD v2.1.1 (PM2_Supporting). The computational predictor REVEL gives a score of 0.893, which is above the threshold of 0.75, evidence that correlates with impact to ACADVL function (PP3). Due to limited evidence, this variant is classified as a variant of uncertain significance for autosomal recessive VLCAD deficiency based on the ACMG/AMP criteria applied, as specified by the ClinGen ACADVL Variant Curation Expert Panel: PM2_Supporting, PP3 (ACADVL specifications version 1; approved November 8, 2021).